The following is an entry in ClinVar:

ClinVar aggregate classification (germline): Pathogenic (1 of 4 stars; one submission).

Submission:

CeGaT Center for Human Genetics Tuebingen
Classification: Pathogenic. Last evaluated: 2025-04-01. Review status: criteria provided, single submitter. Criteria: CeGaT Center For Human Genetics Tuebingen Variant Classification Criteria Version 2. Collection method: clinical testing. Allele origin: germline. Affected: yes. Observed: 1 variant allele.
Comment: CYLD: PVS1, PM2

NM_001378743.1(CYLD):c.1856_1857del (p.Thr619fs)

Genes: CYLD (CYLD lysine 63 deubiquitinase; plus strand), CYLD-AS2 (CYLD antisense RNA 2; minus strand). Cytogenetic location: 16q12.1.
Variant type: Deletion.
Coding change: c.1856_1857del on transcript NM_001378743.1 (MANE Select); coding-DNA positions 1856 to 1857, 2 bases deleted (CT; older notation c.1856_1857delCT).
Protein change: p.Thr619fs; shifts the reading frame from threonine 619.
Molecular consequence: frameshift variant. On other transcripts: non-coding transcript variant (1).
Genome position (GRCh38, 1-based): chr16:50,784,358-50,784,359, CT deleted. VCF-style (leftmost placement, unchanged base first): chr16-50784357-ACT-A. GRCh37 (hg19) VCF-style: chr16-50818268-ACT-A.
Other names: c.1847_1848del, p.Thr616fs (NM_001042355.2, NM_001042412.3, NM_001378744.1 and 6 more transcripts); c.1817_1818del, p.Thr606fs (NM_001378751.1, NM_001378752.1, NM_001378753.1); c.1181_1182del, p.Thr394fs (NM_001378754.1, NM_001378755.1); c.1856_1857del, p.Thr619fs (NM_015247.3); short protein forms T394fs, T606fs, T616fs, T619fs.
Identifiers: ClinVar variation 3898521 (VCV003898521.7).